The following is an entry in ClinVar:

NM_017999.5(RNF31):c.2728A>C (p.Lys910Gln)

Gene: RNF31 (ring finger protein 31; plus strand). Cytogenetic location: 14q12.
Variant type: single nucleotide variant.
Coding change: c.2728A>C on transcript NM_017999.5 (MANE Select); coding-DNA position 2728, A replaced by C.
Protein change: p.Lys910Gln; replaces lysine 910 with glutamine.
Molecular consequence: missense variant.
Genome position (GRCh38, 1-based): chr14:24,157,898, A>C. VCF-style: chr14-24157898-A-C. GRCh37 (hg19) VCF-style: chr14-24627107-A-C.
Other names: c.2275A>C, p.Lys759Gln (NM_001310332.2); c.2728A>C (NM_017999.4); short protein forms K910Q, K759Q.
Identifiers: ClinVar variation 2883692 (VCV002883692.4), dbSNP rs1172799740, ClinGen allele CA389306542.

ClinVar aggregate classification (germline): Uncertain significance. Review status: criteria provided, multiple submitters, no conflicts (2 of 4 stars). 2 submissions from 2 submitters: Uncertain significance (2). Last evaluated 2025-12-09.

Allele frequency attached by ClinVar (database versions not stated): gnomAD exomes below 0.00001; TOPMed below 0.00001.
gnomAD v4.1: 3 of 1,613,478 alleles (0.00019%); highest among the groups gnomAD compares: Admixed American, 0.0033%; no homozygotes.

Submissions (2):

Ambry Genetics
Classification: Uncertain significance. Last evaluated: 2025-12-09. Review status: criteria provided, single submitter. Criteria: Ambry Variant Classification Scheme 2023. Collection method: clinical testing. Allele origin: germline.

Labcorp Genetics (formerly Invitae), Labcorp
Classification: Uncertain significance. Last evaluated: 2023-03-07. Review status: criteria provided, single submitter. Criteria: Invitae Variant Classification Sherloc (09022015). Collection method: clinical testing. Allele origin: germline.
Comment: In summary, the available evidence is currently insufficient to determine the role of this variant in disease. Therefore, it has been classified as a Variant of Uncertain Significance. An algorithm developed to predict the effect of missense changes on protein structure and function (PolyPhen-2) suggests that this variant is likely to be disruptive. This variant has not been reported in the literature in individuals affected with RNF31-related conditions. This variant is not present in population databases (gnomAD no frequency). This sequence change replaces lysine, which is basic and polar, with glutamine, which is neutral and polar, at codon 910 of the RNF31 protein (p.Lys910Gln).